The following is an entry in ClinVar:

ClinVar aggregate classification (germline): Uncertain significance (1 of 4 stars; one submission).

Allele frequency attached by ClinVar (database versions not stated): gnomAD exomes 0.00001.
gnomAD v4.1: 14 of 1,613,986 alleles (0.00087%); highest among the groups gnomAD compares: Non-Finnish European, 0.0012%; 1 homozygote.

Submission:

Labcorp Genetics (formerly Invitae), Labcorp
Classification: Uncertain significance. Last evaluated: 2021-09-24. Review status: criteria provided, single submitter. Criteria: Invitae Variant Classification Sherloc (09022015). Collection method: clinical testing. Allele origin: germline.
Comment: This sequence change replaces glycine with tryptophan at codon 245 of the OCA2 protein (p.Gly245Trp). The glycine residue is weakly conserved and there is a large physicochemical difference between glycine and tryptophan. This variant is not present in population databases (ExAC no frequency). This variant has not been reported in the literature in individuals with OCA2-related conditions. Advanced modeling of protein sequence and biophysical properties (such as structural, functional, and spatial information, amino acid conservation, physicochemical variation, residue mobility, and thermodynamic stability) performed at Invitae indicates that this missense variant is not expected to disrupt OCA2 protein function. In summary, the available evidence is currently insufficient to determine the role of this variant in disease. Therefore, it has been classified as a Variant of Uncertain Significance.

NM_000275.3(OCA2):c.733G>T (p.Gly245Trp)

Gene: OCA2 (OCA2 melanosomal transmembrane protein; minus strand). Cytogenetic location: 15q13.1.
Variant type: single nucleotide variant.
Coding change: c.733G>T on transcript NM_000275.3 (MANE Select); coding-DNA position 733, G replaced by T.
Protein change: p.Gly245Trp; replaces glycine 245 with tryptophan.
Molecular consequence: missense variant.
Genome position (GRCh38, 1-based): chr15:28,018,471, C>A on the plus strand (G>T on the coding strand, the complement: OCA2 is on the minus strand). VCF-style: chr15-28018471-C-A. GRCh37 (hg19) VCF-style: chr15-28263617-C-A.
Other names: c.733G>T, p.Gly245Trp (NM_001300984.2); short protein forms G245W.
Identifiers: ClinVar variation 1359125 (VCV001359125.5), dbSNP rs1439057856, ClinGen allele CA391366329.